The following is an entry in ClinVar:

NM_144701.3(IL23R):c.1408G>A (p.Asp470Asn)

Gene: IL23R (interleukin 23 receptor; plus strand). Cytogenetic location: 1p31.3.
Variant type: single nucleotide variant.
Coding change: c.1408G>A on transcript NM_144701.3 (MANE Select); coding-DNA position 1408, G replaced by A.
Protein change: p.Asp470Asn; replaces aspartic acid 470 with asparagine.
Molecular consequence: missense variant.
Genome position (GRCh38, 1-based): chr1:67,258,646, G>A. VCF-style: chr1-67258646-G-A. GRCh37 (hg19) VCF-style: chr1-67724329-G-A.
Other names: short protein forms D470N.
Identifiers: ClinVar variation 2958535 (VCV002958535.3), dbSNP rs375054504, ClinGen allele CA900014.

ClinVar aggregate classification (germline): Uncertain significance (1 of 4 stars; one submission).

Allele frequency attached by ClinVar (database versions not stated): ExAC 0.00001; TOPMed 0.00001; gnomAD 0.00003; gnomAD exomes 0.00004; ESP Exome Variant Server 0.00008.
gnomAD v4.1: 61 of 1,613,670 alleles (0.0038%); highest among the groups gnomAD compares: Non-Finnish European, 0.0047%; no homozygotes.

Submission:

Labcorp Genetics (formerly Invitae), Labcorp
Classification: Uncertain significance. Last evaluated: 2024-07-19. Review status: criteria provided, single submitter. Criteria: Invitae Variant Classification Sherloc (09022015). Collection method: clinical testing. Allele origin: germline.
Comment: This sequence change replaces aspartic acid, which is acidic and polar, with asparagine, which is neutral and polar, at codon 470 of the IL23R protein (p.Asp470Asn). This variant is present in population databases (rs375054504, gnomAD 0.004%). This variant has not been reported in the literature in individuals affected with IL23R-related conditions. An algorithm developed to predict the effect of missense changes on protein structure and function (PolyPhen-2) suggests that this variant is likely to be tolerated. In summary, the available evidence is currently insufficient to determine the role of this variant in disease. Therefore, it has been classified as a Variant of Uncertain Significance.